The following is an entry in ClinVar:

ClinVar aggregate classification (germline): Uncertain significance (1 of 4 stars; one submission).

Allele frequency attached by ClinVar (database versions not stated): ExAC 0.00003; gnomAD 0.00003; TOPMed 0.00007.
gnomAD v4.1: 20 of 1,608,706 alleles (0.0012%); highest among the groups gnomAD compares: Admixed American, 0.029%; no homozygotes.

Submission:

Labcorp Genetics (formerly Invitae), Labcorp
Classification: Uncertain significance. Last evaluated: 2025-11-17. Review status: criteria provided, single submitter. Criteria: Invitae Variant Classification Sherloc (09022015). Collection method: clinical testing. Allele origin: germline.
Comment: This sequence change falls in intron 17 of the CAMTA1 gene. It does not directly change the encoded amino acid sequence of the CAMTA1 protein. It affects a nucleotide within the consensus splice site. This variant is present in population databases (rs768306203, gnomAD 0.04%), and has an allele count higher than expected for a pathogenic variant. This variant has not been reported in the literature in individuals affected with CAMTA1-related conditions. ClinVar contains an entry for this variant (Variation ID: 2174212). Variants that disrupt the consensus splice site are a relatively common cause of aberrant splicing (PMID: 17576681, 9536098). Algorithms developed to predict the effect of sequence changes on RNA splicing suggest that this variant is not likely to affect RNA splicing. In summary, the available evidence is currently insufficient to determine the role of this variant in disease. Therefore, it has been classified as a Variant of Uncertain Significance.

Literature cited by the submitters: PubMed 17576681; PubMed 9536098.

NM_015215.4(CAMTA1):c.4370+4A>C

Gene: CAMTA1 (calmodulin binding transcription activator 1; plus strand). Cytogenetic location: 1p36.23.
Variant type: single nucleotide variant.
Coding change: c.4370+4A>C on transcript NM_015215.4 (MANE Select); 4 bases into the intron after coding-DNA position 4370, A replaced by C.
Molecular consequence: intron variant.
Genome position (GRCh38, 1-based): chr1:7,745,026, A>C. VCF-style: chr1-7745026-A-C. GRCh37 (hg19) VCF-style: chr1-7805086-A-C.
Other names: c.4031+4A>C (NM_001349609.2, NM_001349610.2); c.4280+4A>C (NM_001349608.2); c.3941+4A>C (NM_001349612.2); c.1442+4A>C (NM_001349614.1, NM_001349617.1, NM_001349616.2 and 2 more transcripts); c.1103+4A>C (NM_001349620.1, NM_001349621.1, NM_001349625.2 and 5 more transcripts); c.1499+4A>C (NM_001349613.1).
Identifiers: ClinVar variation 2174212 (VCV002174212.4), dbSNP rs768306203, ClinGen allele CA567127.